The following is an entry in ClinVar:

NM_024753.5(TTC21B):c.729C>T (p.Ser243=)

Gene: TTC21B (tetratricopeptide repeat domain 21B; minus strand). Cytogenetic location: 2q24.3.
Variant type: single nucleotide variant.
Coding change: c.729C>T on transcript NM_024753.5 (MANE Select); coding-DNA position 729, C replaced by T.
Protein change: p.Ser243=; no amino-acid change (serine 243 retained).
Molecular consequence: synonymous variant.
Genome position (GRCh38, 1-based): chr2:165,933,039, G>A on the plus strand (C>T on the coding strand, the complement: TTC21B is on the minus strand). VCF-style: chr2-165933039-G-A. GRCh37 (hg19) VCF-style: chr2-166789549-G-A.
Other names: c.729C>T (NM_024753.4).
Identifiers: ClinVar variation 4794565 (VCV004794565.2).

ClinVar aggregate classification (germline): Likely benign. Review status: criteria provided, multiple submitters, no conflicts (2 of 4 stars). 2 submissions from 2 submitters: Likely benign (2). Last evaluated 2026-04-08.

Conditions:
TTC21B-related disorder. Also called: TTC21B-related condition; TTC21B-related disorders.
Jeune thoracic dystrophy. Also called: Jeune syndrome; Infantile thoracic dystrophy; Thoracic pelvic phalangeal dystrophy; Jeune's syndrome; Chondroectodermal dysplasia-like syndrome; Short-rib thoracic dysplasia. Identifiers: Orphanet 474, MedGen C0265275, MONDO:0018770.
Nephronophthisis. Also called: Juvenile Nephronophthisis. Identifiers: Orphanet 655, MedGen C0687120, MONDO:0019005, HP:0000090.

gnomAD v4.1: 7 of 1,612,474 alleles (0.00043%); highest among the groups gnomAD compares: Admixed American, 0.005%; no homozygotes.

Submissions (2):

PreventionGenetics, part of Exact Sciences
Classification: Likely benign for TTC21B-related condition. Last evaluated: 2026-04-08. Review status: criteria provided, single submitter. Criteria: ACMG Guidelines, 2015. Collection method: clinical testing. Allele origin: germline.
Comment: This variant is classified as likely benign based on ACMG/AMP sequence variant interpretation guidelines (Richards et al. 2015 PMID: 25741868, with internal and published modifications).

Labcorp Genetics (formerly Invitae), Labcorp
Classification: Likely benign for Jeune thoracic dystrophy; Nephronophthisis. Last evaluated: 2025-05-28. Review status: criteria provided, single submitter. Criteria: Invitae Variant Classification Sherloc (09022015). Collection method: clinical testing. Allele origin: germline.